The following is an entry in ClinVar:

NM_005245.4(FAT1):c.12067C>G (p.Gln4023Glu)

Gene: FAT1 (FAT atypical cadherin 1; minus strand). Cytogenetic location: 4q35.2.
Variant type: single nucleotide variant.
Coding change: c.12067C>G on transcript NM_005245.4 (MANE Select); coding-DNA position 12067, C replaced by G.
Protein change: p.Gln4023Glu; replaces glutamine 4023 with glutamic acid.
Molecular consequence: missense variant.
Genome position (GRCh38, 1-based): chr4:186,599,934, G>C on the plus strand (C>G on the coding strand, the complement: FAT1 is on the minus strand). VCF-style: chr4-186599934-G-C. GRCh37 (hg19) VCF-style: chr4-187521088-G-C.
Other names: c.12067C>G (NM_005245.3); short protein forms Q4023E.
Identifiers: ClinVar variation 1436585 (VCV001436585.7), dbSNP rs745866138, ClinGen allele CA3164955.

ClinVar aggregate classification (germline): Uncertain significance. Review status: criteria provided, multiple submitters, no conflicts (2 of 4 stars). 2 submissions from 2 submitters: Uncertain significance (2). Last evaluated 2025-11-13.

Conditions:
Inborn genetic diseases. Identifiers: MedGen C0950123, MeSH D030342.

Allele frequency attached by ClinVar (database versions not stated): gnomAD exomes below 0.00001 and 0.00001; ExAC 0.00001; gnomAD 0.00004 and 0.00005; TOPMed 0.00005.
gnomAD v4.1: 11 of 1,613,548 alleles (0.00068%); highest among the groups gnomAD compares: African/African-American, 0.013%; no homozygotes.

Submissions (2):

Ambry Genetics
Classification: Uncertain significance for Inborn genetic diseases. Last evaluated: 2025-11-13. Review status: criteria provided, single submitter. Criteria: Ambry Variant Classification Scheme 2023. Collection method: clinical testing. Allele origin: germline.

Labcorp Genetics (formerly Invitae), Labcorp
Classification: Uncertain significance. Last evaluated: 2021-11-17. Review status: criteria provided, single submitter. Criteria: Invitae Variant Classification Sherloc (09022015). Collection method: clinical testing. Allele origin: germline.
Comment: This variant is present in population databases (rs745866138, gnomAD 0.02%). In summary, the available evidence is currently insufficient to determine the role of this variant in disease. Therefore, it has been classified as a Variant of Uncertain Significance. Algorithms developed to predict the effect of missense changes on protein structure and function are either unavailable or do not agree on the potential impact of this missense change (SIFT: "Deleterious"; PolyPhen-2: "Benign"; Align-GVGD: "Class C0"). This variant has not been reported in the literature in individuals affected with FAT1-related conditions. This sequence change replaces glutamine, which is neutral and polar, with glutamic acid, which is acidic and polar, at codon 4023 of the FAT1 protein (p.Gln4023Glu).